The following is an entry in ClinVar:

ClinVar aggregate classification (germline): Uncertain significance (1 of 4 stars; one submission).

Allele frequency attached by ClinVar (database versions not stated): ExAC 0.00001.

Submission:

Labcorp Genetics (formerly Invitae), Labcorp
Classification: Uncertain significance. Last evaluated: 2023-05-20. Review status: criteria provided, single submitter. Criteria: Invitae Variant Classification Sherloc (09022015). Collection method: clinical testing. Allele origin: germline.
Comment: This variant has not been reported in the literature in individuals affected with SETD5-related conditions. In summary, the available evidence is currently insufficient to determine the role of this variant in disease. Therefore, it has been classified as a Variant of Uncertain Significance. Advanced modeling of protein sequence and biophysical properties (such as structural, functional, and spatial information, amino acid conservation, physicochemical variation, residue mobility, and thermodynamic stability) performed at Invitae indicates that this missense variant is not expected to disrupt SETD5 protein function. ClinVar contains an entry for this variant (Variation ID: 1470897). This variant is present in population databases (rs759068108, gnomAD 0.002%). This sequence change replaces valine, which is neutral and non-polar, with leucine, which is neutral and non-polar, at codon 244 of the SETD5 protein (p.Val244Leu).

NM_001080517.3(SETD5):c.730G>C (p.Val244Leu)

Gene: SETD5 (SET domain containing 5; plus strand). Cytogenetic location: 3p25.3.
Variant type: single nucleotide variant.
Coding change: c.730G>C on transcript NM_001080517.3 (MANE Select); coding-DNA position 730, G replaced by C.
Protein change: p.Val244Leu; replaces valine 244 with leucine.
Molecular consequence: missense variant.
Genome position (GRCh38, 1-based): chr3:9,440,618, G>C. VCF-style: chr3-9440618-G-C. GRCh37 (hg19) VCF-style: chr3-9482302-G-C.
Other names: c.436G>C, p.Val146Leu (NM_001292043.2, NM_001349451.2); short protein forms V244L, V146L.
Identifiers: ClinVar variation 1470897 (VCV001470897.8), dbSNP rs759068108, ClinGen allele CA2239000.